The following is an entry in ClinVar:

ClinVar aggregate classification (germline): Uncertain significance (1 of 4 stars; one submission).

Submission:

Labcorp Genetics (formerly Invitae), Labcorp
Classification: Uncertain significance. Last evaluated: 2022-09-27. Review status: criteria provided, single submitter. Criteria: Invitae Variant Classification Sherloc (09022015). Collection method: clinical testing. Allele origin: germline.
Comment: ClinVar contains an entry for this variant (Variation ID: 1511335). In summary, the available evidence is currently insufficient to determine the role of this variant in disease. Therefore, it has been classified as a Variant of Uncertain Significance. Advanced modeling of protein sequence and biophysical properties (such as structural, functional, and spatial information, amino acid conservation, physicochemical variation, residue mobility, and thermodynamic stability) performed at Invitae indicates that this missense variant is not expected to disrupt GJB3 protein function. This variant has not been reported in the literature in individuals affected with GJB3-related conditions. This variant is not present in population databases (gnomAD no frequency). This sequence change replaces glutamine, which is neutral and polar, with histidine, which is basic and polar, at codon 107 of the GJB3 protein (p.Gln107His).

NM_024009.3(GJB3):c.321G>C (p.Gln107His)

Gene: GJB3 (gap junction protein beta 3; plus strand). Cytogenetic location: 1p34.3.
Variant type: single nucleotide variant.
Coding change: c.321G>C on transcript NM_024009.3 (MANE Select); coding-DNA position 321, G replaced by C.
Protein change: p.Gln107His; replaces glutamine 107 with histidine.
Molecular consequence: missense variant.
Genome position (GRCh38, 1-based): chr1:34,785,083, G>C. VCF-style: chr1-34785083-G-C. GRCh37 (hg19) VCF-style: chr1-35250684-G-C.
Other names: c.321G>C, p.Gln107His (NM_001005752.2); short protein forms Q107H.
Identifiers: ClinVar variation 1511335 (VCV001511335.6), dbSNP rs2148354284, ClinGen allele CA339313138.
Genomic context (GRCh38, chr1:34,785,083, plus strand): 5'-CTCGCTGCTGGTCATCCTGCACGTGGCCTACCGTGAGGAGCGGGAGCGCCGGCACCGCCA[G>C]AAACACGGGGACCAGTGCGCCAAGCTGTACGACAACGCAGGCAAGAAGCACGGAGGCCTG-3'
Protein context (NP_076872.1, residues 97-117): YREERERRHR[Gln107His]KHGDQCAKLY